The following is an entry in ClinVar:

NM_001009944.3(PKD1):c.68C>T (p.Ala23Val)

Gene: PKD1 (polycystin 1, transient receptor potential channel interacting; minus strand). Cytogenetic location: 16p13.3.
Variant type: single nucleotide variant.
Coding change: c.68C>T on transcript NM_001009944.3 (MANE Select); coding-DNA position 68, C replaced by T.
Protein change: p.Ala23Val; replaces alanine 23 with valine.
Molecular consequence: missense variant.
Genome position (GRCh38, 1-based): chr16:2,135,622, G>A on the plus strand (C>T on the coding strand, the complement: PKD1 is on the minus strand). VCF-style: chr16-2135622-G-A. GRCh37 (hg19) VCF-style: chr16-2185623-G-A.
Other names: c.68C>T, p.Ala23Val (NM_000296.4); short protein forms A23V.
Identifiers: ClinVar variation 3306798 (VCV003306798.5).

ClinVar aggregate classification (germline): Uncertain significance. Review status: criteria provided, multiple submitters, no conflicts (2 of 4 stars). 5 submissions from 5 submitters: Uncertain significance (5). Last evaluated 2026-09-17.

Conditions:
Inborn genetic diseases. Identifiers: MedGen C0950123, MeSH D030342.
Polycystic kidney disease, adult type (PKD1). Also called: Polycystic Kidney Disease 1, Autosomal Dominant; Polycystic kidney disease 1; Polycystic kidney disease 1, severe; Polycystic Kidney, Autosomal Dominant; POLYCYSTIC KIDNEY DISEASE, ADULT, TYPE I; POLYCYSTIC KIDNEY DISEASE 1 WITH OR WITHOUT POLYCYSTIC LIVER DISEASE. Identifiers: MedGen C3149841, MONDO:0008263, OMIM 173900.
PKD1-related disorder. Also called: PKD1-related condition.

Submissions (5):

GeneDx
Classification: Uncertain significance. Last evaluated: 2026-09-17. Review status: criteria provided, single submitter. Criteria: GeneDx Variant Classification Process June 2021. Collection method: clinical testing. Allele origin: germline.
Comment: In silico analysis suggests that this missense variant does not alter protein structure/function; Has not been previously published as pathogenic or benign to our knowledge

PreventionGenetics, part of Exact Sciences
Classification: Uncertain significance for PKD1-related condition. Last evaluated: 2026-03-09. Review status: criteria provided, single submitter. Criteria: ACMG Guidelines, 2015. Collection method: clinical testing. Allele origin: germline.
Comment: The PKD1 c.68C>T variant is predicted to result in the amino acid substitution p.Ala23Val. To our knowledge, this variant has not been reported in the literature or in a large population database (gnomAD), indicating this variant is rare. At this time, the clinical significance of this variant is uncertain due to the absence of conclusive functional and genetic evidence.

Genetic Services Laboratory, University of Chicago
Classification: Uncertain significance. Last evaluated: 2025-05-02. Review status: criteria provided, single submitter. Criteria: ACMG Guidelines, 2015. Collection method: clinical testing. Allele origin: germline.
Comment: The c.68C>T variant: Results in an amino acid change, p.Ala23Val. Does not appear to have been previously described in individuals with PKD1-related disorders. Is reported in the gnomAD v4 database with a frequency of 0.018% in the Latino subpopulation (dbSNP rs1026325632). Affects a poorly conserved amino acid residue located in a domain of the PKD1 protein that is not known to be functional. Appears to have contradictory results by in-silico pathogenicity prediction tools. ClinVar contains an entry for this variant (Variation ID: 3306798). Due to insufficient evidence and the lack of functional studies, the clinical significance of the p.Ala23Val variant remains unknown at this time.

Ambry Genetics
Classification: Uncertain significance for Inborn genetic diseases. Last evaluated: 2024-06-05. Review status: criteria provided, single submitter. Criteria: Ambry Variant Classification Scheme 2023. Collection method: clinical testing. Allele origin: germline.

Fulgent Genetics
Classification: Uncertain significance for Polycystic kidney disease, adult type. Last evaluated: 2024-03-13. Review status: criteria provided, single submitter. Criteria: ACMG Guidelines, 2015. Collection method: clinical testing. Allele origin: germline.